The following is an entry in ClinVar:

NM_020180.4(CELF4):c.327G>A (p.Leu109=)

Gene: CELF4 (CUGBP Elav-like family member 4; minus strand). Cytogenetic location: 18q12.2.
Variant type: single nucleotide variant.
Coding change: c.327G>A on transcript NM_020180.4 (MANE Select); coding-DNA position 327, G replaced by A.
Protein change: p.Leu109=; no amino-acid change (leucine 109 retained).
Molecular consequence: synonymous variant. On other transcripts: 5 prime UTR variant (6), non-coding transcript variant (11).
Genome position (GRCh38, 1-based): chr18:37,485,567, C>T on the plus strand (G>A on the coding strand, the complement: CELF4 is on the minus strand). VCF-style: chr18-37485567-C-T. GRCh37 (hg19) VCF-style: chr18-35065530-C-T.
Other names: c.327G>A, p.Leu109= (NM_001353728.2, NM_001353729.2, NM_001353730.2 and 60 more transcripts); c.-43G>A (NM_001353756.2, NM_001353757.2, NM_001353758.2 and 3 more transcripts).
Identifiers: ClinVar variation 3048420 (VCV003048420.2), dbSNP rs371812303, ClinGen allele CA8943781.
Genomic context (GRCh38, chr18:37,485,567, plus strand): 5'-ACGGCGGGCGCCACTTACCCCGGGCAGAGTCTTCTGCTCGTGCAGCGCGCTCTGGGCCTT[C>T]AGCGCTGACTCACGCTCGCAGTAGGTGAGGAAGGCGCAGCCTGGGGAGGAAAGCAAGCGC-3'
Protein context (NP_064565.1, residues 99-119): FLTYCERESA[Leu109=]KAQSALHEQK

ClinVar aggregate classification (germline): Likely benign (0 of 4 stars; one submission).

Conditions:
CELF4-related disorder. Also called: CELF4-related condition.

Allele frequency attached by ClinVar (database versions not stated): gnomAD 0.00004; gnomAD exomes 0.00004; TOPMed 0.00007; ESP Exome Variant Server 0.00008; ExAC 0.00036.
gnomAD v4.1: 64 of 1,457,808 alleles (0.0044%); highest among the groups gnomAD compares: Admixed American, 0.041%; no homozygotes.

Submission:

PreventionGenetics, part of Exact Sciences
Classification: Likely benign for CELF4-related condition. Last evaluated: 2019-11-18. Review status: no assertion criteria provided. Collection method: clinical testing. Allele origin: germline.
Comment: This variant is classified as likely benign based on ACMG/AMP sequence variant interpretation guidelines (Richards et al. 2015 PMID: 25741868, with internal and published modifications).